The following is an entry in ClinVar:

ClinVar aggregate classification (germline): Uncertain significance (1 of 4 stars; one submission).

Submission:

Women's Health and Genetics/Laboratory Corporation of America, LabCorp
Classification: Uncertain significance. Last evaluated: 2026-02-03. Review status: criteria provided, single submitter. Criteria: LabCorp Variant Classification Summary - May 2015. Collection method: clinical testing. Allele origin: germline.
Comment: Variant summary: TNXB c.2101_2103delGGC (p.Gly701del) results in an in-frame deletion that is predicted to remove one amino acid from the encoded protein. The variant was absent in 248544 control chromosomes. The available data on variant occurrences in the general population are insufficient to allow any conclusion about variant significance. To our knowledge, no occurrence of c.2101_2103delGGC in individuals affected with TNXB-related conditions and no experimental evidence demonstrating its impact on protein function have been reported. No submitters have cited clinical-significance assessments for this variant to ClinVar. Based on the evidence outlined above, the variant was classified as uncertain significance.

NM_001365276.2(TNXB):c.2101_2103del (p.Gly701del)

Gene: TNXB (tenascin XB; minus strand). Cytogenetic location: 6p21.33.
Variant type: Deletion.
Coding change: c.2101_2103del on transcript NM_001365276.2 (MANE Select); coding-DNA positions 2101 to 2103, 3 bases deleted (GGC; older notation c.2101_2103delGGC).
Protein change: p.Gly701del; deletes glycine 701.
Genome position (GRCh38, 1-based): chr6:32,095,750-32,095,752, GCC deleted on the plus strand (GGC on the coding strand, the reverse complement: TNXB is on the minus strand). VCF-style (leftmost placement, unchanged base first): chr6-32095749-GGCC-G. GRCh37 (hg19) VCF-style: chr6-32063526-GGCC-G.
Other names: c.2101_2103del, p.Gly701del (NM_001428335.1, NM_019105.8); c.2101_2103delGGC (NM_019105.8); short protein forms G701del.
Identifiers: ClinVar variation 4848088 (VCV004848088.1).
Genomic context (GRCh38, chr6:32,095,749, plus strand): 5'-CCCCTGGGCATGTCTGGATGGCACAGTCAGGGCCTCGGAAGCCCTCTACACACACACACT[GGCC>G]TGCCCGGCACAGTTCCCGGGGCCCGCAGCCTCCAGGGCAGGCGCTGGCTGGAGGCTCTTC-3'